The following is an entry in ClinVar:

NM_000540.3(RYR1):c.10250A>G (p.Asp3417Gly)

Gene: RYR1 (ryanodine receptor 1; plus strand). Cytogenetic location: 19q13.2.
Variant type: single nucleotide variant.
Coding change: c.10250A>G on transcript NM_000540.3 (MANE Select); coding-DNA position 10250, A replaced by G.
Protein change: p.Asp3417Gly; replaces aspartic acid 3417 with glycine.
Molecular consequence: missense variant.
Genome position (GRCh38, 1-based): chr19:38,519,445, A>G. VCF-style: chr19-38519445-A-G. GRCh37 (hg19) VCF-style: chr19-39010085-A-G.
Other names: c.10250A>G, p.Asp3417Gly (NM_001042723.2); short protein forms D3417G.
Identifiers: ClinVar variation 2161637 (VCV002161637.3), dbSNP rs766469628, ClinGen allele CA052714.

ClinVar aggregate classification (germline): Uncertain significance. Review status: criteria provided, multiple submitters, no conflicts (2 of 4 stars). 3 submissions from 3 submitters: Uncertain significance (3). Last evaluated 2025-07-18.

Conditions:
RYR1-related disorder. Also called: RYR1-related condition; RYR1-related disorders. Identifiers: MedGen CN239331.
Malignant hyperthermia, susceptibility to, 1 (MHS1). Also called: RYR1-Related Malignant Hyperthermia Susceptibility; Malignant hyperthermia suceptibility 1; Anesthesia related hyperthermia; Malignant hyperpyrexia; Fulminating hyperpyrexia; Pharmacogenic myopathy. Identifiers: Orphanet 423, MedGen C2930980, MONDO:0007783, OMIM 145600.

Allele frequency attached by ClinVar (database versions not stated): gnomAD exomes below 0.00001; ExAC 0.00002; gnomAD 0.00002; TOPMed 0.00002.
gnomAD v4.1: 5 of 1,596,548 alleles (0.00031%); highest among the groups gnomAD compares: African/African-American, 0.0054%; no homozygotes.

Submissions (3):

Color Diagnostics, LLC DBA Color Health
Classification: Uncertain significance for Malignant hyperthermia, susceptibility to, 1. Last evaluated: 2025-07-18. Review status: criteria provided, single submitter. Criteria: ACMG Guidelines, 2015. Collection method: clinical testing. Allele origin: germline.
Comment: This missense variant replaces aspartic acid with glycine at codon 3417 of the RYR1 protein. Computational prediction suggests that this variant may have deleterious impact on protein structure and function. To our knowledge, functional studies have not been reported for this variant. This variant has not been reported in individuals affected with RYR1-related disorders in the literature. This variant has been identified in 1/218994 chromosomes in the general population by the Genome Aggregation Database (gnomAD). The available evidence is insufficient to determine the role of this variant in disease conclusively. Therefore, this variant is classified as a Variant of Uncertain Significance.

GeneDx
Classification: Uncertain significance. Last evaluated: 2025-02-05. Review status: criteria provided, single submitter. Criteria: GeneDx Variant Classification Process June 2021. Collection method: clinical testing. Allele origin: germline. Affected: yes.
Comment: Not observed at significant frequency in large population cohorts (gnomAD); In silico analysis supports that this missense variant has a deleterious effect on protein structure/function; Has not been previously published as pathogenic or benign to our knowledge

Labcorp Genetics (formerly Invitae), Labcorp
Classification: Uncertain significance for RYR1-related disorder. Last evaluated: 2022-09-06. Review status: criteria provided, single submitter. Criteria: Invitae Variant Classification Sherloc (09022015). Collection method: clinical testing. Allele origin: germline.
Comment: This sequence change replaces aspartic acid, which is acidic and polar, with glycine, which is neutral and non-polar, at codon 3417 of the RYR1 protein (p.Asp3417Gly). The frequency data for this variant in the population databases is considered unreliable, as metrics indicate poor data quality at this position in the gnomAD database. This variant has not been reported in the literature in individuals affected with RYR1-related conditions. Advanced modeling of protein sequence and biophysical properties (such as structural, functional, and spatial information, amino acid conservation, physicochemical variation, residue mobility, and thermodynamic stability) performed at Invitae indicates that this missense variant is expected to disrupt RYR1 protein function. In summary, the available evidence is currently insufficient to determine the role of this variant in disease. Therefore, it has been classified as a Variant of Uncertain Significance.